The following is an entry in ClinVar:

ClinVar aggregate classification (germline): Conflicting classifications of pathogenicity. Review status: criteria provided, conflicting classifications (1 of 4 stars). 8 submissions from 8 submitters: Likely pathogenic (1); Uncertain significance (4). 3 of the submissions do not count toward it. Last evaluated 2025-12-04.

Conditions:
DYNC2H1-related disorder. Also called: DYNC2H1-related condition; DYNC2H1-related disorders. Identifiers: MedGen CN378770.
Jeune thoracic dystrophy. Also called: Jeune syndrome; Infantile thoracic dystrophy; Thoracic pelvic phalangeal dystrophy; Jeune's syndrome; Chondroectodermal dysplasia-like syndrome; Short-rib thoracic dysplasia. Identifiers: Orphanet 474, MedGen C0265275, MONDO:0018770.
Asphyxiating thoracic dystrophy 3. Also called: Saldino-Noonan Syndrome; Short rib polydactyly syndrome 2B; SHORT-RIB THORACIC DYSPLASIA 3 WITH OR WITHOUT POLYDACTYLY; POLYDACTYLY WITH NEONATAL CHONDRODYSTROPHY, TYPE I; SHORT-RIB THORACIC DYSPLASIA 3/6 WITH POLYDACTYLY, DIGENIC. Identifiers: Orphanet 474, Orphanet 93269, Orphanet 93270, Orphanet 93271, MedGen C0036069, MONDO:0013127, OMIM 613091.

Allele frequency attached by ClinVar (database versions not stated): gnomAD 0.00001; gnomAD exomes 0.00001; TOPMed 0.00001; ExAC 0.00002.
gnomAD v4.1: 18 of 1,612,452 alleles (0.0011%); highest among the groups gnomAD compares: Admixed American, 0.0033%; no homozygotes.

Submissions (8):

Women's Health and Genetics/Laboratory Corporation of America, LabCorp
Classification: Uncertain significance. Last evaluated: 2025-12-04. Review status: criteria provided, single submitter. Criteria: LabCorp Variant Classification Summary - May 2015. Collection method: clinical testing. Allele origin: germline.
Comment: Variant summary: DYNC2H1 c.7985G>A (p.Arg2662Gln) results in a conservative amino acid change in the encoded protein sequence. Algorithms developed to predict the effect of missense changes on protein structure and function are either unavailable or do not agree on the potential impact of this missense change. The variant allele was found at a frequency of 1.2e-05 in 248420 control chromosomes. c.7985G>A has been observed in individual(s) affected with Short rib-polydactyly syndrome (example: Hokayem_2012, Zhang_2018). These data indicate that the variant may be associated with disease. To our knowledge, no experimental evidence demonstrating an impact on protein function has been reported. The following publications have been ascertained in the context of this evaluation (PMID: 29068549, 22499340). ClinVar contains an entry for this variant (Variation ID: 40068). Based on the evidence outlined above, the variant was classified as VUS-possibly pathogenic.

Myriad Genetics, Inc.
Classification: Uncertain significance for Asphyxiating thoracic dystrophy 3. Last evaluated: 2025-10-15. Review status: criteria provided, single submitter. Criteria: Myriad Autosomal Dominant, Autosomal Recessive and X-Linked Classification Criteria (2023). Collection method: clinical testing. Allele origin: unknown.
Comment: NM_001377.2(DYNC2H1):c.7985G>A(R2662Q) is a missense variant classified as a variant of uncertain significance in the context of DYNC2H1-related disorders. R2662Q has been observed in cases with relevant disease (PMID: 29068549, 22499340). Relevant functional assessments of this variant are not available in the literature. Internal structural analysis of the variant is supportive of pathogenicity. R2662Q has been observed in referenced population frequency databases. In summary, there is insufficient evidence to classify NM_001377.2(DYNC2H1):c.7985G>A(R2662Q) as pathogenic or benign. Please note: this variant was assessed in the context of healthy population screening.

Labcorp Genetics (formerly Invitae), Labcorp
Classification: Uncertain significance for Jeune thoracic dystrophy. Last evaluated: 2025-07-08. Review status: criteria provided, single submitter. Criteria: Invitae Variant Classification Sherloc (09022015). Collection method: clinical testing. Allele origin: germline.
Comment: This sequence change replaces arginine, which is basic and polar, with glutamine, which is neutral and polar, at codon 2662 of the DYNC2H1 protein (p.Arg2662Gln). This variant is present in population databases (rs397514635, gnomAD 0.003%). This missense change has been observed in individuals with short-rib polydactyly syndrome (PMID: 22499340, 29068549). ClinVar contains an entry for this variant (Variation ID: 40068). Invitae Evidence Modeling of protein sequence and biophysical properties (such as structural, functional, and spatial information, amino acid conservation, physicochemical variation, residue mobility, and thermodynamic stability) has been performed for this missense variant. However, the output from this modeling did not meet the statistical confidence thresholds required to predict the impact of this variant on DYNC2H1 protein function. This variant disrupts the p.Arg2662 amino acid residue in DYNC2H1. Other variant(s) that disrupt this residue have been observed in individuals with DYNC2H1-related conditions (PMID: 29068549), which suggests that this may be a clinically significant amino acid residue. In summary, the available evidence is currently insufficient to determine the role of this variant in disease. Therefore, it has been classified as a Variant of Uncertain Significance.

Department of Pathology and Laboratory Medicine, Sinai Health System
Classification: Uncertain significance for Asphyxiating thoracic dystrophy 3. Last evaluated: 2023-02-13. Review status: criteria provided, single submitter. Criteria: ACMG Guidelines, 2015. Collection method: research. Allele origin: germline.

Blueprint Genetics
Classification: Likely pathogenic for DYNC2H1-related disorders. Last evaluated: 2020-05-07. Review status: criteria provided, single submitter. Criteria: ACMG Guidelines, 2015. Collection method: clinical testing. Allele origin: germline. Affected: yes. Observed: 2 variant alleles.

Dan Cohn Lab, University Of California Los Angeles
Classification: Pathogenic for Asphyxiating thoracic dystrophy 3. Last evaluated: 2017-06-01. Review status: no assertion criteria provided. Collection method: research. Allele origin: unknown. Affected: yes. Not counted in ClinVar's aggregate classification.

OMIM
Classification: Pathogenic for SHORT-RIB THORACIC DYSPLASIA 3 WITH POLYDACTYLY. Last evaluated: 2012-04-01. Review status: no assertion criteria provided. Collection method: literature only. Allele origin: germline. Not counted in ClinVar's aggregate classification.

University of Washington Center for Mendelian Genomics, University of Washington
Classification: Likely pathogenic for Asphyxiating thoracic dystrophy 3. Review status: no assertion criteria provided. Collection method: research. Allele origin: inherited. Affected: yes. Not counted in ClinVar's aggregate classification.

Literature cited by the submitters: PubMed 29068549 (cited by 5 submitters); PubMed 22499340 (cited by 4 submitters).

NM_001377.3(DYNC2H1):c.7985G>A (p.Arg2662Gln)

Gene: DYNC2H1 (dynein cytoplasmic 2 heavy chain 1; plus strand). Cytogenetic location: 11q22.3.
Variant type: single nucleotide variant.
Coding change: c.7985G>A on transcript NM_001377.3 (MANE Select); coding-DNA position 7985, G replaced by A.
Protein change: p.Arg2662Gln; replaces arginine 2662 with glutamine.
Molecular consequence: missense variant.
Genome position (GRCh38, 1-based): chr11:103,199,373, G>A. VCF-style: chr11-103199373-G-A. GRCh37 (hg19) VCF-style: chr11-103070102-G-A.
Other names: c.7985G>A, p.Arg2662Gln (NM_001080463.2); short protein forms R2662Q.
Identifiers: ClinVar variation 40068 (VCV000040068.24), dbSNP rs397514635, ClinGen allele CA210575.
Genomic context (GRCh38, chr11:103,199,373, plus strand): 5'-GAGTGCTGAGTTTCCCTGGAGGTTCACTTCTATTAGCAGGACGCAGTGGTGTAGGTCGTC[G>A]GACCATCACTTCTTTAGTCAGTCACATGCATGGAGCGGTCCTGTTTTCTCCAAAGATTTC-3'
Protein context (NP_001368.2, residues 2652-2672): LLAGRSGVGR[Arg2662Gln]TITSLVSHMH